The following is an entry in ClinVar:

NM_174916.3(UBR1):c.5135G>A (p.Arg1712His)

Gene: UBR1 (ubiquitin protein ligase E3 component n-recognin 1; minus strand). Cytogenetic location: 15q15.2.
Variant type: single nucleotide variant.
Coding change: c.5135G>A on transcript NM_174916.3 (MANE Select); coding-DNA position 5135, G replaced by A.
Protein change: p.Arg1712His; replaces arginine 1712 with histidine.
Molecular consequence: missense variant.
Genome position (GRCh38, 1-based): chr15:42,945,444, C>T on the plus strand (G>A on the coding strand, the complement: UBR1 is on the minus strand). VCF-style: chr15-42945444-C-T. GRCh37 (hg19) VCF-style: chr15-43237642-C-T.
Other names: short protein forms R1712H.
Identifiers: ClinVar variation 721627 (VCV000721627.40), dbSNP rs141828250, ClinGen allele CA7517663.

ClinVar aggregate classification (germline): Conflicting classifications of pathogenicity. Review status: criteria provided, conflicting classifications (1 of 4 stars). 5 submissions from 5 submitters: Uncertain significance (1); Likely benign (2). 2 of the submissions do not count toward it. Last evaluated 2026-01-25.

Conditions:
UBR1-related disorder. Also called: UBR1-related condition.
Microcephaly. Also called: Microcephaly (disease). Identifiers: MedGen C4551563, MONDO:0001149, HP:0000252.

Allele frequency attached by ClinVar (database versions not stated): ESP Exome Variant Server 0.00077; TOPMed 0.00095; gnomAD 0.00099; 1000 Genomes Project 0.00140; 1000 Genomes Project 30x 0.00156.
gnomAD v4.1: 2,226 of 1,613,884 alleles (0.14%); highest among the groups gnomAD compares: East Asian, 0.86%; 8 homozygotes.

Submissions (5):

Labcorp Genetics (formerly Invitae), Labcorp
Classification: Likely benign. Last evaluated: 2026-01-25. Review status: criteria provided, single submitter. Criteria: Invitae Variant Classification Sherloc (09022015). Collection method: clinical testing. Allele origin: germline.

CeGaT Center for Human Genetics Tuebingen
Classification: Likely benign. Last evaluated: 2025-02-01. Review status: criteria provided, single submitter. Criteria: CeGaT Center For Human Genetics Tuebingen Variant Classification Criteria Version 2. Collection method: clinical testing. Allele origin: germline. Affected: yes. Observed: 2 variant alleles.
Comment: UBR1: BP4, BS2

AiLife Diagnostics
Classification: Uncertain significance. Last evaluated: 2020-07-18. Review status: criteria provided, single submitter. Criteria: ACMG Guidelines, 2015. Collection method: clinical testing. Allele origin: germline. Affected: yes. Observed: 1 variant allele.

PreventionGenetics, part of Exact Sciences
Classification: Likely benign for UBR1-related condition. Last evaluated: 2023-05-12. Review status: no assertion criteria provided. Collection method: clinical testing. Allele origin: germline. Not counted in ClinVar's aggregate classification.
Comment: This variant is classified as likely benign based on ACMG/AMP sequence variant interpretation guidelines (Richards et al. 2015 PMID: 25741868, with internal and published modifications).

Department of Pediatrics, Samsung Medical Center, Samsung Medical Center
Classification: Uncertain significance for Microcephaly. Review status: no assertion criteria provided. Criteria: ACMG Guidelines, 2015. Collection method: research. Allele origin: germline. Affected: yes. Not counted in ClinVar's aggregate classification.